The following is an entry in ClinVar:

ClinVar aggregate classification (germline): Pathogenic (1 of 4 stars; one submission).

Conditions:
X-linked lymphoproliferative disease due to XIAP deficiency. Also called: XIAP-Related Lymphoproliferative Disease, X-Linked; XIAP DEFICIENCY. Identifiers: Orphanet 2442, Orphanet 538934, MedGen C1845076, MONDO:0010385, OMIM 300635.

Submission:

Labcorp Genetics (formerly Invitae), Labcorp
Classification: Pathogenic for X-linked lymphoproliferative disease due to XIAP deficiency. Last evaluated: 2023-06-13. Review status: criteria provided, single submitter. Criteria: Invitae Variant Classification Sherloc (09022015). Collection method: clinical testing. Allele origin: germline.
Comment: This sequence change creates a premature translational stop signal (p.Tyr161Ilefs*7) in the XIAP gene. It is expected to result in an absent or disrupted protein product. Loss-of-function variants in XIAP are known to be pathogenic (PMID: 17080092, 21119115, 25666262). This variant is not present in population databases (gnomAD no frequency). This variant has not been reported in the literature in individuals affected with XIAP-related conditions. For these reasons, this variant has been classified as Pathogenic.

Literature cited by the submitters: PubMed 17080092; PubMed 21119115; PubMed 25666262.

NM_001167.4(XIAP):c.481del (p.Tyr161fs)

Gene: XIAP (X-linked inhibitor of apoptosis; plus strand). Cytogenetic location: Xq25.
Variant type: Deletion.
Coding change: c.481del on transcript NM_001167.4 (MANE Select); coding-DNA position 481, one base deleted (T; older notation c.481delT).
Protein change: p.Tyr161fs; shifts the reading frame from tyrosine 161.
Molecular consequence: frameshift variant.
Genome position (GRCh38, 1-based): chrX:123,886,143, T deleted. VCF-style (leftmost placement, unchanged base first): chrX-123886142-GT-G. GRCh37 (hg19) VCF-style: chrX-123019992-GT-G.
Other names: c.481del, p.Tyr161fs (NM_001204401.2, NM_001378590.1, NM_001378591.1 and 1 more transcripts); short protein forms Y161fs.
Identifiers: ClinVar variation 2867274 (VCV002867274.3), dbSNP rs2522585460, ClinGen allele CA2739273754.